The following is an entry in ClinVar:

ClinVar aggregate classification (germline): Uncertain significance. Review status: criteria provided, multiple submitters, no conflicts (2 of 4 stars). 3 submissions from 3 submitters: Uncertain significance (3). Last evaluated 2024-06-23.

Conditions:
Fraser syndrome 2 (FRASRS2). Identifiers: MedGen C4540036, MONDO:0054738, OMIM 617666.
Isolated cryptophthalmia. Also called: Cryptophthalmos, unilateral or bilateral, isolated; ANKYLOBLEPHARON, SIMPLE. Identifiers: Orphanet 91396, MedGen C1852453, MONDO:0007410, OMIM 123570.

Allele frequency attached by ClinVar (database versions not stated): gnomAD exomes 0.00003 and 0.00006; ExAC 0.00006; ESP Exome Variant Server 0.00015; TOPMed 0.00017; gnomAD 0.00018 and 0.00019; 1000 Genomes Project 30x 0.00031; 1000 Genomes Project 0.00040.
gnomAD v4.1: 85 of 1,607,924 alleles (0.0053%); highest among the groups gnomAD compares: African/African-American, 0.056%; no homozygotes.

Submissions (3):

Fulgent Genetics
Classification: Uncertain significance for Isolated cryptophthalmia; Fraser syndrome 2. Last evaluated: 2024-06-23. Review status: criteria provided, single submitter. Criteria: ACMG Guidelines, 2015. Collection method: clinical testing. Allele origin: germline.

Labcorp Genetics (formerly Invitae), Labcorp
Classification: Uncertain significance. Last evaluated: 2022-08-20. Review status: criteria provided, single submitter. Criteria: Invitae Variant Classification Sherloc (09022015). Collection method: clinical testing. Allele origin: germline.
Comment: This sequence change replaces alanine, which is neutral and non-polar, with threonine, which is neutral and polar, at codon 1659 of the FREM2 protein (p.Ala1659Thr). This variant is present in population databases (rs114440488, gnomAD 0.05%). This variant has not been reported in the literature in individuals affected with FREM2-related conditions. ClinVar contains an entry for this variant (Variation ID: 311986). Algorithms developed to predict the effect of missense changes on protein structure and function output the following: SIFT: "Tolerated"; PolyPhen-2: "Benign"; Align-GVGD: "Class C0". The threonine amino acid residue is found in multiple mammalian species, which suggests that this missense change does not adversely affect protein function. In summary, the available evidence is currently insufficient to determine the role of this variant in disease. Therefore, it has been classified as a Variant of Uncertain Significance.

Illumina Laboratory Services, Illumina
Classification: Uncertain significance for Fraser syndrome 2. Last evaluated: 2018-01-12. Review status: criteria provided, single submitter. Criteria: ICSL Variant Classification Criteria 13 December 2019. Collection method: clinical testing. Allele origin: germline.

NM_207361.6(FREM2):c.4975G>A (p.Ala1659Thr)

Gene: FREM2 (FRAS1 related extracellular matrix 2; plus strand). Cytogenetic location: 13q13.3.
Variant type: single nucleotide variant.
Coding change: c.4975G>A on transcript NM_207361.6 (MANE Select); coding-DNA position 4975, G replaced by A.
Protein change: p.Ala1659Thr; replaces alanine 1659 with threonine.
Molecular consequence: missense variant.
Genome position (GRCh38, 1-based): chr13:38,692,319, G>A. VCF-style: chr13-38692319-G-A. GRCh37 (hg19) VCF-style: chr13-39266456-G-A.
Other names: short protein forms A1659T.
Identifiers: ClinVar variation 311986 (VCV000311986.8), dbSNP rs114440488, ClinGen allele CA6955110.